The following is an entry in ClinVar:

ClinVar aggregate classification (germline): Uncertain significance. Review status: criteria provided, multiple submitters, no conflicts (2 of 4 stars). 2 submissions from 2 submitters: Uncertain significance (2). Last evaluated 2025-08-28.

Conditions:
Inborn genetic diseases. Identifiers: MedGen C0950123, MeSH D030342.

Allele frequency attached by ClinVar (database versions not stated): gnomAD 0.00001; gnomAD exomes 0.00001; TOPMed 0.00001; ExAC 0.00003.
gnomAD v4.1: 15 of 1,613,820 alleles (0.00093%); highest among the groups gnomAD compares: Admixed American, 0.023%; no homozygotes.

Submissions (2):

Ambry Genetics
Classification: Uncertain significance for Inborn genetic diseases. Last evaluated: 2025-08-28. Review status: criteria provided, single submitter. Criteria: Ambry Variant Classification Scheme 2023. Collection method: clinical testing. Allele origin: germline.

Labcorp Genetics (formerly Invitae), Labcorp
Classification: Uncertain significance. Last evaluated: 2025-05-27. Review status: criteria provided, single submitter. Criteria: Invitae Variant Classification Sherloc (09022015). Collection method: clinical testing. Allele origin: germline.
Comment: This sequence change replaces serine, which is neutral and polar, with phenylalanine, which is neutral and non-polar, at codon 46 of the PDYN protein (p.Ser46Phe). This variant is present in population databases (rs770746350, gnomAD 0.03%). This variant has not been reported in the literature in individuals affected with PDYN-related conditions. ClinVar contains an entry for this variant (Variation ID: 2055083). Invitae Evidence Modeling of protein sequence and biophysical properties (such as structural, functional, and spatial information, amino acid conservation, physicochemical variation, residue mobility, and thermodynamic stability) indicates that this missense variant is not expected to disrupt PDYN protein function with a negative predictive value of 80%. In summary, the available evidence is currently insufficient to determine the role of this variant in disease. Therefore, it has been classified as a Variant of Uncertain Significance.

NM_024411.5(PDYN):c.137C>T (p.Ser46Phe)

Genes: PDYN (prodynorphin; minus strand), PDYN-AS1 (PDYN antisense RNA 1; plus strand). Cytogenetic location: 20p13.
Variant type: single nucleotide variant.
Coding change: c.137C>T on transcript NM_024411.5 (MANE Select); coding-DNA position 137, C replaced by T.
Protein change: p.Ser46Phe; replaces serine 46 with phenylalanine.
Molecular consequence: missense variant.
Genome position (GRCh38, 1-based): chr20:1,980,951, G>A on the plus strand (C>T on the coding strand, the complement: PDYN is on the minus strand). VCF-style: chr20-1980951-G-A. GRCh37 (hg19) VCF-style: chr20-1961597-G-A.
Other names: c.137C>T (NM_024411.4); c.137C>T, p.Ser46Phe (NM_001190892.1, NM_001190898.3, NM_001190899.2 and 1 more transcripts); short protein forms S46F.
Identifiers: ClinVar variation 2055083 (VCV002055083.5), dbSNP rs770746350, ClinGen allele CA9730354.